The following is an entry in ClinVar:

NM_018026.4(PACS1):c.534G>C (p.Gln178His)

Gene: PACS1 (phosphofurin acidic cluster sorting protein 1; plus strand). Cytogenetic location: 11q13.2.
Variant type: single nucleotide variant.
Coding change: c.534G>C on transcript NM_018026.4 (MANE Select); coding-DNA position 534, G replaced by C.
Protein change: p.Gln178His; replaces glutamine 178 with histidine.
Molecular consequence: missense variant.
Genome position (GRCh38, 1-based): chr11:66,210,451, G>C. VCF-style: chr11-66210451-G-C. GRCh37 (hg19) VCF-style: chr11-65977922-G-C.
Other names: c.534G>C (NM_018026.3); short protein forms Q178H.
Identifiers: ClinVar variation 2837405 (VCV002837405.4), dbSNP rs2495537330, ClinGen allele CA381339852.

ClinVar aggregate classification (germline): Uncertain significance. Review status: criteria provided, multiple submitters, no conflicts (2 of 4 stars). 2 submissions from 2 submitters: Uncertain significance (2). Last evaluated 2025-07-05.

Conditions:
Schuurs-Hoeijmakers syndrome. Also called: PACS1-Related Neurodevelopmental Disorder. Identifiers: Orphanet 329224, MedGen C3554343, MONDO:0014006, OMIM 615009.

Submissions (2):

GeneDx
Classification: Uncertain significance. Last evaluated: 2025-07-05. Review status: criteria provided, single submitter. Criteria: GeneDx Variant Classification Process June 2021. Collection method: clinical testing. Allele origin: germline. Affected: yes.
Comment: Not observed at significant frequency in large population cohorts (gnomAD); In silico analysis supports that this missense variant has a deleterious effect on protein structure/function; In silico analysis supports a deleterious effect on splicing; Has not been previously published as pathogenic or benign to our knowledge

Labcorp Genetics (formerly Invitae), Labcorp
Classification: Uncertain significance for Schuurs-Hoeijmakers syndrome. Last evaluated: 2023-02-14. Review status: criteria provided, single submitter. Criteria: Invitae Variant Classification Sherloc (09022015). Collection method: clinical testing. Allele origin: germline.
Comment: In summary, the available evidence is currently insufficient to determine the role of this variant in disease. Therefore, it has been classified as a Variant of Uncertain Significance. Variants that disrupt the consensus splice site are a relatively common cause of aberrant splicing (PMID: 17576681, 9536098). Algorithms developed to predict the effect of sequence changes on RNA splicing suggest that this variant may disrupt the consensus splice site. Algorithms developed to predict the effect of missense changes on protein structure and function are either unavailable or do not agree on the potential impact of this missense change (SIFT: "Deleterious"; PolyPhen-2: "Probably Damaging"; Align-GVGD: "Class C0"). This variant has not been reported in the literature in individuals affected with PACS1-related conditions. This variant is not present in population databases (gnomAD no frequency). This sequence change replaces glutamine, which is neutral and polar, with histidine, which is basic and polar, at codon 178 of the PACS1 protein (p.Gln178His). This variant also falls at the last nucleotide of exon 3, which is part of the consensus splice site for this exon.

Literature cited by the submitters: PubMed 17576681 (cited by Labcorp Genetics (formerly Invitae), Labcorp); PubMed 9536098 (cited by Labcorp Genetics (formerly Invitae), Labcorp).